The following is an entry in ClinVar:

NM_017841.4(SDHAF2):c.211C>T (p.Leu71Phe)

Gene: SDHAF2 (succinate dehydrogenase complex assembly factor 2; plus strand). Cytogenetic location: 11q12.2.
Variant type: single nucleotide variant.
Coding change: c.211C>T on transcript NM_017841.4 (MANE Select); coding-DNA position 211, C replaced by T.
Protein change: p.Leu71Phe; replaces leucine 71 with phenylalanine.
Molecular consequence: missense variant.
Genome position (GRCh38, 1-based): chr11:61,437,799, C>T. VCF-style: chr11-61437799-C-T. GRCh37 (hg19) VCF-style: chr11-61205271-C-T.
Other names: short protein forms L71F.
Identifiers: ClinVar variation 5029214 (VCV005029214.1).

ClinVar aggregate classification (germline): Uncertain significance (1 of 4 stars; one submission).

Conditions:
Hereditary cancer-predisposing syndrome. Also called: Neoplastic Syndromes, Hereditary; Tumor predisposition; Hereditary neoplastic syndrome; Hereditary Cancer Syndrome. Identifiers: Orphanet 140162, MedGen C0027672, MeSH D009386, MONDO:0015356.

Submission:

Ambry Genetics
Classification: Uncertain significance for Hereditary cancer-predisposing syndrome. Last evaluated: 2026-07-07. Review status: criteria provided, single submitter. Criteria: Ambry Variant Classification Scheme 2023. Collection method: clinical testing. Allele origin: germline.
Comment: The p.L71F variant (also known as c.211C>T), located in coding exon 2 of the SDHAF2 gene, results from a C to T substitution at nucleotide position 211. The leucine at codon 71 is replaced by phenylalanine, an amino acid with highly similar properties. This amino acid position is conserved. In addition, the in silico prediction for this alteration is inconclusive. Based on the available evidence, the clinical significance of this variant remains unclear.